The following is an entry in ClinVar:

ClinVar aggregate classification (germline): Pathogenic (1 of 4 stars; one submission).

Conditions:
Ellis-van Creveld syndrome (EVC). Also called: MESOECTODERMAL DYSPLASIA; Chondroectodermal dysplasia. Identifiers: Orphanet 289, MedGen C0013903, MONDO:0009162, OMIM 225500.

gnomAD v4.1: 1 of 1,613,476 alleles (0.000062%); highest among the groups gnomAD compares: Non-Finnish European, 0.000085%; no homozygotes.

Submission:

Myriad Genetics, Inc.
Classification: Pathogenic for Ellis-van Creveld syndrome. Last evaluated: 2025-11-04. Review status: criteria provided, single submitter. Criteria: Myriad Autosomal Dominant, Autosomal Recessive and X-Linked Classification Criteria (2023). Collection method: clinical testing. Allele origin: unknown.
Comment: NM_153717.2(EVC):c.2428C>T(Q810*) is expected to be pathogenic in the context of EVC-related Ellis-van Creveld syndrome. This variant is predicted to lead to an abnormal or absent protein product due to the creation of a premature termination codon in EVC, a gene where loss-of-function variants are known to be pathogenic. Please note: this variant was assessed in the context of healthy population screening.

NM_153717.3(EVC):c.2428C>T (p.Gln810Ter)

Gene: EVC (EvC ciliary complex subunit 1; plus strand). Cytogenetic location: 4p16.2.
Variant type: single nucleotide variant.
Coding change: c.2428C>T on transcript NM_153717.3 (MANE Select); coding-DNA position 2428, C replaced by T.
Protein change: p.Gln810Ter; replaces glutamine 810 with a stop codon.
Molecular consequence: nonsense.
Genome position (GRCh38, 1-based): chr4:5,802,073, C>T. VCF-style: chr4-5802073-C-T. GRCh37 (hg19) VCF-style: chr4-5803800-C-T.
Other names: c.2428C>T, p.Gln810Ter (NM_001306090.2); short protein forms Q810*.
Identifiers: ClinVar variation 5015171 (VCV005015171.1).